The following is an entry in ClinVar:

ClinVar aggregate classification (germline): Uncertain significance (1 of 4 stars; one submission).

Submission:

GeneDx
Classification: Uncertain significance. Last evaluated: 2024-10-01. Review status: criteria provided, single submitter. Criteria: GeneDx Variant Classification Process June 2021. Collection method: clinical testing. Allele origin: germline. Affected: yes.
Comment: Not observed at significant frequency in large population cohorts (gnomAD); In silico analysis indicates that this missense variant does not alter protein structure/function; Has not been previously published as pathogenic or benign to our knowledge

NM_001375524.1(TRRAP):c.6584G>C (p.Ser2195Thr)

Gene: TRRAP (transformation/transcription domain associated protein; plus strand). Cytogenetic location: 7q22.1.
Variant type: single nucleotide variant.
Coding change: c.6584G>C on transcript NM_001375524.1 (MANE Select); coding-DNA position 6584, G replaced by C.
Protein change: p.Ser2195Thr; replaces serine 2195 with threonine.
Molecular consequence: missense variant.
Genome position (GRCh38, 1-based): chr7:98,961,355, G>C. VCF-style: chr7-98961355-G-C. GRCh37 (hg19) VCF-style: chr7-98558978-G-C.
Other names: c.6563G>C, p.Ser2188Thr (NM_001244580.2); c.6509G>C, p.Ser2170Thr (NM_003496.4); short protein forms S2170T, S2188T, S2195T.
Identifiers: ClinVar variation 3776595 (VCV003776595.1).